The following is an entry in ClinVar:

ClinVar aggregate classification (germline): Uncertain significance (1 of 4 stars; one submission).

Submission:

Labcorp Genetics (formerly Invitae), Labcorp
Classification: Uncertain significance. Last evaluated: 2022-10-17. Review status: criteria provided, single submitter. Criteria: Invitae Variant Classification Sherloc (09022015). Collection method: clinical testing. Allele origin: germline.
Comment: In summary, the available evidence is currently insufficient to determine the role of this variant in disease. Therefore, it has been classified as a Variant of Uncertain Significance. This sequence change replaces glutamic acid, which is acidic and polar, with lysine, which is basic and polar, at codon 1372 of the NUP160 protein (p.Glu1372Lys). This variant is not present in population databases (gnomAD no frequency). This variant has not been reported in the literature in individuals affected with NUP160-related conditions. Algorithms developed to predict the effect of missense changes on protein structure and function are either unavailable or do not agree on the potential impact of this missense change (SIFT: "Not Available"; PolyPhen-2: "Benign"; Align-GVGD: "Not Available").

NM_015231.3(NUP160):c.4012G>A (p.Glu1338Lys)

Gene: NUP160 (nucleoporin 160; minus strand). Cytogenetic location: 11p11.2.
Variant type: single nucleotide variant.
Coding change: c.4012G>A on transcript NM_015231.3 (MANE Select); coding-DNA position 4012, G replaced by A.
Protein change: p.Glu1338Lys; replaces glutamic acid 1338 with lysine.
Molecular consequence: missense variant. On other transcripts: non-coding transcript variant (1).
Genome position (GRCh38, 1-based): chr11:47,783,075, C>T on the plus strand (G>A on the coding strand, the complement: NUP160 is on the minus strand). VCF-style: chr11-47783075-C-T. GRCh37 (hg19) VCF-style: chr11-47804627-C-T.
Other names: short protein forms E1338K.
Identifiers: ClinVar variation 2024975 (VCV002024975.4), dbSNP rs756620160, ClinGen allele CA380366141.